The following is an entry in ClinVar:

NM_003482.4(KMT2D):c.10792A>G (p.Lys3598Glu)

Gene: KMT2D (lysine methyltransferase 2D; minus strand). Cytogenetic location: 12q13.12.
Variant type: single nucleotide variant.
Coding change: c.10792A>G on transcript NM_003482.4 (MANE Select); coding-DNA position 10792, A replaced by G.
Protein change: p.Lys3598Glu; replaces lysine 3598 with glutamic acid.
Molecular consequence: missense variant.
Genome position (GRCh38, 1-based): chr12:49,033,913, T>C on the plus strand (A>G on the coding strand, the complement: KMT2D is on the minus strand). VCF-style: chr12-49033913-T-C. GRCh37 (hg19) VCF-style: chr12-49427696-T-C.
Other names: short protein forms K3598E.
Identifiers: ClinVar variation 3363704 (VCV003363704.2).

ClinVar aggregate classification (germline): Likely pathogenic (1 of 4 stars; one submission).

Submission:

GeneDx
Classification: Likely pathogenic. Last evaluated: 2025-10-29. Review status: criteria provided, single submitter. Criteria: GeneDx Variant Classification Process June 2021. Collection method: clinical testing. Allele origin: germline.
Comment: Not observed at significant frequency in large population cohorts (gnomAD); In silico analysis supports that this missense variant has a deleterious effect on protein structure/function; Has not been previously published as pathogenic or benign to our knowledge